The following is an entry in ClinVar:

ClinVar aggregate classification (germline): Uncertain significance. Review status: criteria provided, multiple submitters, no conflicts (2 of 4 stars). 2 submissions from 2 submitters: Uncertain significance (2). Last evaluated 2025-07-15.

Conditions:
Inborn genetic diseases. Identifiers: MedGen C0950123, MeSH D030342.

gnomAD v4.1: 8 of 1,513,722 alleles (0.00053%); highest among the groups gnomAD compares: Non-Finnish European, 0.0007%; no homozygotes.

Submissions (2):

Labcorp Genetics (formerly Invitae), Labcorp
Classification: Uncertain significance. Last evaluated: 2025-07-15. Review status: criteria provided, single submitter. Criteria: Invitae Variant Classification Sherloc (09022015). Collection method: clinical testing. Allele origin: germline.
Comment: This sequence change replaces alanine, which is neutral and non-polar, with serine, which is neutral and polar, at codon 241 of the KISS1R protein (p.Ala241Ser). This variant is not present in population databases (gnomAD no frequency). This variant has not been reported in the literature in individuals affected with KISS1R-related conditions. ClinVar contains an entry for this variant (Variation ID: 3115182). An algorithm developed to predict the effect of missense changes on protein structure and function outputs the following: PolyPhen-2: "Benign". The serine amino acid residue is found in multiple mammalian species, which suggests that this missense change does not adversely affect protein function. In summary, the available evidence is currently insufficient to determine the role of this variant in disease. Therefore, it has been classified as a Variant of Uncertain Significance.

Ambry Genetics
Classification: Uncertain significance for Inborn genetic diseases. Last evaluated: 2023-12-19. Review status: criteria provided, single submitter. Criteria: Ambry Variant Classification Scheme 2023. Collection method: clinical testing. Allele origin: germline.

NM_032551.5(KISS1R):c.721G>T (p.Ala241Ser)

Gene: KISS1R (KISS1 receptor; plus strand). Cytogenetic location: 19p13.3.
Variant type: single nucleotide variant.
Coding change: c.721G>T on transcript NM_032551.5 (MANE Select); coding-DNA position 721, G replaced by T.
Protein change: p.Ala241Ser; replaces alanine 241 with serine.
Molecular consequence: missense variant.
Genome position (GRCh38, 1-based): chr19:920,089, G>T. VCF-style: chr19-920089-G-T. GRCh37 (hg19) VCF-style: chr19-920089-G-T.
Other names: short protein forms A241S.
Identifiers: ClinVar variation 3115182 (VCV003115182.2), dbSNP rs1237403583, ClinGen allele CA402916186.